The following is an entry in ClinVar:

NM_004621.6(TRPC6):c.949G>T (p.Asp317Tyr)

Gene: TRPC6 (transient receptor potential cation channel subfamily C member 6; minus strand). Cytogenetic location: 11q22.1.
Variant type: single nucleotide variant.
Coding change: c.949G>T on transcript NM_004621.6 (MANE Select); coding-DNA position 949, G replaced by T.
Protein change: p.Asp317Tyr; replaces aspartic acid 317 with tyrosine.
Molecular consequence: missense variant.
Genome position (GRCh38, 1-based): chr11:101,491,735, C>A on the plus strand (G>T on the coding strand, the complement: TRPC6 is on the minus strand). VCF-style: chr11-101491735-C-A. GRCh37 (hg19) VCF-style: chr11-101362466-C-A.
Other names: short protein forms D317Y.
Identifiers: ClinVar variation 1315342 (VCV001315342.2), dbSNP rs1859818177, ClinGen allele CA382445501.
Genomic context (GRCh38, chr11:101,491,735, plus strand): 5'-TGCACAGATCAAGGAGTCCAACAACAAAGTCTTTGCACTGCATTGACAGTTTTTTGTAGT[C>A]ATTCTAGGAAAAACAAAGCAAAACAAAAGCAATAATGGAGAATACCACGTTTTACTATGC-3'
Protein context (NP_004612.2, residues 307-327): LANIEKEFKN[Asp317Tyr]YKKLSMQCKD

ClinVar aggregate classification (germline): Uncertain significance (1 of 4 stars; one submission).

Allele frequency attached by ClinVar (database versions not stated): gnomAD exomes below 0.00001.
gnomAD v4.1: 1 of 1,609,938 alleles (0.000062%); highest among the groups gnomAD compares: South Asian, 0.0011%; no homozygotes.

Submission:

GeneDx
Classification: Uncertain significance. Last evaluated: 2020-02-04. Review status: criteria provided, single submitter. Criteria: GeneDx Variant Classification Process June 2021. Collection method: clinical testing. Allele origin: germline. Affected: yes.
Comment: Not observed in large population cohorts (Lek et al., 2016); In silico analysis supports that this missense variant has a deleterious effect on protein structure/function; Has not been previously published as pathogenic or benign to our knowledge